The following is an entry in ClinVar:

NM_001267550.2(TTN):c.107681-21_107681-18del

Genes: TTN (titin; minus strand), TTN-AS1 (TTN antisense RNA 1; plus strand). Cytogenetic location: 2q31.2.
Variant type: Deletion.
Coding change: c.107681-21_107681-18del on transcript NM_001267550.2 (MANE Select); 21 bases into the intron before coding-DNA position 107681 through 18 bases into the intron before coding-DNA position 107681, 4 bases deleted (TTTT; older notation c.107681-21_107681-18delTTTT).
Molecular consequence: intron variant.
Genome position (GRCh38, 1-based): chr2:178,527,325-178,527,328, AAAA deleted on the plus strand (TTTT on the coding strand, the reverse complement: TTN is on the minus strand); deleting any 4 consecutive bases within chr2:178,527,325-178,527,332 gives the same sequence; the c. name uses the placement nearest the transcript's 3' end. VCF-style (leftmost placement, unchanged base first): chr2-178527324-CAAAA-C. GRCh37 (hg19) VCF-style: chr2-179392051-CAAAA-C.
Other names: c.80486-21_80486-18del (NM_003319.4); c.81062-21_81062-18del (NM_133437.4); c.80861-21_80861-18del (NM_133432.3); c.99977-21_99977-18del (NM_133378.4); c.102758-21_102758-18del (NM_001256850.1); c.102758-21_102758-18delTTTT (NM_001256850.1).
Identifiers: ClinVar variation 517949 (VCV000517949.10), dbSNP rs148707308, ClinGen allele CA1984898.

ClinVar aggregate classification (germline): Likely benign. Review status: criteria provided, multiple submitters, no conflicts (2 of 4 stars). 3 submissions from 3 submitters: Likely benign (3). Last evaluated 2025-12-15.

Conditions:
Dilated cardiomyopathy 1G (CMD1G). Identifiers: Orphanet 154, MedGen C1858763, MONDO:0011400, OMIM 604145.
Autosomal recessive limb-girdle muscular dystrophy type 2J (LGMDR10). Also called: Limb-girdle muscular dystrophy, type 2J; MUSCULAR DYSTROPHY, LIMB-GIRDLE, AUTOSOMAL RECESSIVE 10. Identifiers: Orphanet 140922, MedGen C1837342, MONDO:0012127, OMIM 608807.

Submissions (3):

Labcorp Genetics (formerly Invitae), Labcorp
Classification: Likely benign for Dilated cardiomyopathy 1G; Autosomal recessive limb-girdle muscular dystrophy type 2J. Last evaluated: 2025-12-15. Review status: criteria provided, single submitter. Criteria: Invitae Variant Classification Sherloc (09022015). Collection method: clinical testing. Allele origin: germline.

Blueprint Genetics
Classification: Likely benign. Last evaluated: 2024-03-22. Review status: criteria provided, single submitter. Criteria: ACMG Guidelines, 2015. Collection method: clinical testing. Allele origin: germline.

GeneDx
Classification: Likely benign. Last evaluated: 2017-06-16. Review status: criteria provided, single submitter. Criteria: GeneDx Variant Classification (06012015). Collection method: clinical testing. Allele origin: germline. Affected: yes.
Comment: This variant is considered likely benign or benign based on one or more of the following criteria: it is a conservative change, it occurs at a poorly conserved position in the protein, it is predicted to be benign by multiple in silico algorithms, and/or has population frequency not consistent with disease.